The following is an entry in ClinVar:

NM_213599.3(ANO5):c.1736A>T (p.Lys579Ile)

Gene: ANO5 (anoctamin 5; plus strand). Cytogenetic location: 11p14.3.
Variant type: single nucleotide variant.
Coding change: c.1736A>T on transcript NM_213599.3 (MANE Select); coding-DNA position 1736, A replaced by T.
Protein change: p.Lys579Ile; replaces lysine 579 with isoleucine.
Molecular consequence: missense variant.
Genome position (GRCh38, 1-based): chr11:22,262,234, A>T. VCF-style: chr11-22262234-A-T. GRCh37 (hg19) VCF-style: chr11-22283780-A-T.
Other names: c.1733A>T, p.Lys578Ile (NM_001142649.2); short protein forms K579I, K578I.
Identifiers: ClinVar variation 536731 (VCV000536731.11), dbSNP rs1554931810, ClinGen allele CA379922707.

ClinVar aggregate classification (germline): Uncertain significance. Review status: criteria provided, multiple submitters, no conflicts (2 of 4 stars). 2 submissions from 2 submitters: Uncertain significance (2). Last evaluated 2021-05-01.

Conditions:
Gnathodiaphyseal dysplasia (GDD). Also called: GNATHODIAPHYSEAL SCLEROSIS; OSTEOGENESIS IMPERFECTA WITH UNUSUAL SKELETAL LESIONS. Identifiers: Orphanet 53697, MedGen C1833736, MONDO:0008151, OMIM 166260.
Autosomal recessive limb-girdle muscular dystrophy type 2L (LGMDR12). Also called: Limb-girdle muscular dystrophy, type 2L; Limb-Girdle Muscular Dystrophy R12 Anoctamin-5-Related (LGMD-R12); MUSCULAR DYSTROPHY, LIMB-GIRDLE, AUTOSOMAL RECESSIVE 12. Identifiers: Orphanet 206549, MedGen C1969785, MONDO:0012652, OMIM 611307.

Submissions (2):

Revvity Omics, Revvity
Classification: Uncertain significance. Last evaluated: 2021-05-01. Review status: criteria provided, single submitter. Criteria: ACMG Guidelines, 2015. Collection method: clinical testing. Allele origin: germline.

Labcorp Genetics (formerly Invitae), Labcorp
Classification: Uncertain significance for Autosomal recessive limb-girdle muscular dystrophy type 2L; Gnathodiaphyseal dysplasia. Last evaluated: 2017-12-17. Review status: criteria provided, single submitter. Criteria: Invitae Variant Classification Sherloc (09022015). Collection method: clinical testing. Allele origin: germline.
Comment: In summary, the available evidence is currently insufficient to determine the role of this variant in disease. Therefore, it has been classified as a Variant of Uncertain Significance. Algorithms developed to predict the effect of missense changes on protein structure and function do not agree on the potential impact of this missense change (SIFT: "Deleterious"; PolyPhen-2: "Probably Damaging"; Align-GVGD: "Class C0"). This variant has not been reported in the literature in individuals with ANO5-related disease. This variant is not present in population databases (ExAC no frequency). This sequence change replaces lysine with isoleucine at codon 579 of the ANO5 protein (p.Lys579Ile). The lysine residue is highly conserved and there is a moderate physicochemical difference between lysine and isoleucine.